The following is an entry in ClinVar:

NM_005257.6(GATA6):c.1621G>A (p.Ala541Thr)

Gene: GATA6 (GATA binding protein 6; plus strand). Cytogenetic location: 18q11.2.
Variant type: single nucleotide variant.
Coding change: c.1621G>A on transcript NM_005257.6 (MANE Select); coding-DNA position 1621, G replaced by A.
Protein change: p.Ala541Thr; replaces alanine 541 with threonine.
Molecular consequence: missense variant.
Genome position (GRCh38, 1-based): chr18:22,200,656, G>A. VCF-style: chr18-22200656-G-A. GRCh37 (hg19) VCF-style: chr18-19780619-G-A.
Other names: c.1621G>A (NM_005257.4); short protein forms A541T.
Identifiers: ClinVar variation 1520383 (VCV001520383.7), dbSNP rs2143345732, ClinGen allele CA401803009.

ClinVar aggregate classification (germline): Uncertain significance. Review status: criteria provided, multiple submitters, no conflicts (2 of 4 stars). 2 submissions from 2 submitters: Uncertain significance (2). Last evaluated 2025-07-17.

Conditions:
Atrioventricular septal defect 5 (AVSD5). Identifiers: MedGen C3280939, MONDO:0013769, OMIM 614474.

Allele frequency attached by ClinVar (database versions not stated): gnomAD exomes below 0.00001.
gnomAD v4.1: 1 of 1,614,250 alleles (0.000062%); highest among the groups gnomAD compares: Non-Finnish European, 0.000085%; no homozygotes.

Submissions (2):

GeneDx
Classification: Uncertain significance. Last evaluated: 2025-07-17. Review status: criteria provided, single submitter. Criteria: GeneDx Variant Classification Process June 2021. Collection method: clinical testing. Allele origin: germline. Affected: yes.
Comment: Not observed at significant frequency in large population cohorts (gnomAD); In silico analysis suggests that this missense variant does not alter protein structure/function; Has not been previously published as pathogenic or benign to our knowledge

Labcorp Genetics (formerly Invitae), Labcorp
Classification: Uncertain significance for Atrioventricular septal defect 5. Last evaluated: 2021-08-02. Review status: criteria provided, single submitter. Criteria: Invitae Variant Classification Sherloc (09022015). Collection method: clinical testing. Allele origin: germline.
Comment: In summary, the available evidence is currently insufficient to determine the role of this variant in disease. Therefore, it has been classified as a Variant of Uncertain Significance. Algorithms developed to predict the effect of missense changes on protein structure and function (SIFT, PolyPhen-2, Align-GVGD) all suggest that this variant is likely to be tolerated. This variant has not been reported in the literature in individuals affected with GATA6-related conditions. This variant is not present in population databases (ExAC no frequency). This sequence change replaces alanine with threonine at codon 541 of the GATA6 protein (p.Ala541Thr). The alanine residue is weakly conserved and there is a small physicochemical difference between alanine and threonine.